The following is an entry in ClinVar:

ClinVar aggregate classification (germline): Benign. Review status: criteria provided, single submitter (1 of 4 stars). 2 submissions from 2 submitters: Benign (1). 1 of the submissions does not count toward it. Last evaluated 2025-10-02.

Conditions:
Spermatogenic failure 18. Identifiers: MedGen C4539783, MONDO:0054615, OMIM 617576.
Ciliary dyskinesia, primary, 37 (CILD37). Also called: CILIARY DYSKINESIA, PRIMARY, 37, WITH OR WITHOUT SITUS INVERSUS. Identifiers: MedGen C4539798, MONDO:0033204, OMIM 617577.
DNAH1-related disorder. Also called: DNAH1-related condition.

Allele frequency attached by ClinVar (database versions not stated): gnomAD 0.00040 and 0.00041; 1000 Genomes Project 0.00060; ESP Exome Variant Server 0.00008; gnomAD exomes 0.00071 and 0.00027; ExAC 0.00079; TOPMed 0.00003; 1000 Genomes Project 30x 0.00047.
gnomAD v4.1: 497 of 1,614,038 alleles (0.031%); highest among the groups gnomAD compares: South Asian, 0.068%; 1 homozygote.

Submissions (2):

Labcorp Genetics (formerly Invitae), Labcorp
Classification: Benign for Ciliary dyskinesia, primary, 37; Spermatogenic failure 18. Last evaluated: 2025-10-02. Review status: criteria provided, single submitter. Criteria: Invitae Variant Classification Sherloc (09022015). Collection method: clinical testing. Allele origin: germline.

PreventionGenetics, part of Exact Sciences
Classification: Likely benign for DNAH1-related condition. Last evaluated: 2019-03-06. Review status: no assertion criteria provided. Collection method: clinical testing. Allele origin: germline. Not counted in ClinVar's aggregate classification.
Comment: This variant is classified as likely benign based on ACMG/AMP sequence variant interpretation guidelines (Richards et al. 2015 PMID: 25741868, with internal and published modifications).

NM_015512.5(DNAH1):c.12612C>G (p.Pro4204=)

Gene: DNAH1 (dynein axonemal heavy chain 1; plus strand). Cytogenetic location: 3p21.1.
Variant type: single nucleotide variant.
Coding change: c.12612C>G on transcript NM_015512.5 (MANE Select); coding-DNA position 12612, C replaced by G.
Protein change: p.Pro4204=; no amino-acid change (proline 4204 retained).
Molecular consequence: synonymous variant.
Genome position (GRCh38, 1-based): chr3:52,399,715, C>G. VCF-style: chr3-52399715-C-G. GRCh37 (hg19) VCF-style: chr3-52433731-C-G.
Other names: c.12612C>G (NM_015512.4).
Identifiers: ClinVar variation 1582028 (VCV001582028.10), dbSNP rs373606892, ClinGen allele CA2436518.